The following is an entry in ClinVar:

ClinVar aggregate classification (germline): Uncertain significance (1 of 4 stars; one submission).

Conditions:
Congenital myasthenic syndrome 20. Also called: Myasthenic syndrome, congenital, 20, presynaptic. Identifiers: MedGen C4310694, MONDO:0014939, OMIM 617143.
Neuronopathy, distal hereditary motor, type 7A. Also called: Neuronopathy, distal hereditary motor, type viia; SPINAL MUSCULAR ATROPHY, DISTAL, WITH VOCAL CORD PARALYSIS; NEURONOPATHY, DISTAL HEREDITARY MOTOR, HARDING TYPE VIIA; NEUROPATHY, DISTAL HEREDITARY MOTOR, HARDING TYPE VIIA; Neuronopathy, distal hereditary motor, autosomal dominant 7; HARPER-YOUNG MYOPATHY. Identifiers: Orphanet 139589, MedGen C1834703, MONDO:0008024, OMIM 158580.

Submission:

Labcorp Genetics (formerly Invitae), Labcorp
Classification: Uncertain significance for Neuronopathy, distal hereditary motor, type 7A; Congenital myasthenic syndrome 20. Last evaluated: 2022-10-27. Review status: criteria provided, single submitter. Criteria: Invitae Variant Classification Sherloc (09022015). Collection method: clinical testing. Allele origin: germline.
Comment: A copy number gain of the genomic region encompassing the full coding sequence of the SLC5A7 gene has been identified. The boundaries of this event are unknown as they extend beyond the assayed region for this gene and therefore may encompass additional genes. As the precise location of this event is unknown, it may be in tandem or it may be located elsewhere in the genome. A similar copy number variant has been observed in individual(s) with clinical features of SLC5A7-related conditions (Invitae). In summary, the available evidence is currently insufficient to determine the role of this variant in disease. Therefore, it has been classified as a Variant of Uncertain Significance.

NC_000002.11:g.(?_108604612)_(108627317_?)dup

Gene: SLC5A7 (solute carrier family 5 member 7; plus strand). Cytogenetic location: 2q12.3.
Variant type: Duplication.
Identifiers: ClinVar variation 1412296 (VCV001412296.5).